The following is an entry in ClinVar:

ClinVar aggregate classification (germline): Pathogenic/Likely pathogenic. Review status: criteria provided, multiple submitters, no conflicts (2 of 4 stars). 2 submissions from 2 submitters: Pathogenic (1); Likely pathogenic (1). Last evaluated 2023-08-03.

Conditions:
Epilepsy, familial focal, with variable foci 3 (FFEVF3). Identifiers: MedGen C4310708, MONDO:0014925, OMIM 617118.

Submissions (2):

Institute of Human Genetics, University of Leipzig Medical Center
Classification: Pathogenic for Epilepsy, familial focal, with variable foci 3. Last evaluated: 2023-08-03. Review status: criteria provided, single submitter. Criteria: ACMG Guidelines, 2015. Collection method: clinical testing. Allele origin: maternal. Inheritance: Autosomal dominant inheritance. Affected: yes.
Comment: Criteria applied: PVS1,PS4_SUP,PM2_SUP

Labcorp Genetics (formerly Invitae), Labcorp
Classification: Likely pathogenic for Epilepsy, familial focal, with variable foci 3. Last evaluated: 2022-06-24. Review status: criteria provided, single submitter. Criteria: Invitae Variant Classification Sherloc (09022015). Collection method: clinical testing. Allele origin: germline.
Comment: This sequence change affects an acceptor splice site in intron 2 of the NPRL3 gene. It is expected to disrupt RNA splicing. Variants that disrupt the donor or acceptor splice site typically lead to a loss of protein function (PMID: 16199547), and loss-of-function variants in NPRL3 are known to be pathogenic (PMID: 26285051, 26505888). Algorithms developed to predict the effect of sequence changes on RNA splicing suggest that this variant may disrupt the consensus splice site. Disruption of this splice site has been observed in individual(s) with clinical features of NPRL3-related conditions (Invitae). This variant is not present in population databases (gnomAD no frequency). In summary, the currently available evidence indicates that the variant is pathogenic, but additional data are needed to prove that conclusively. Therefore, this variant has been classified as Likely Pathogenic.

Literature cited by the submitters: PubMed 16199547 (cited by Labcorp Genetics (formerly Invitae), Labcorp); PubMed 26285051 (cited by Labcorp Genetics (formerly Invitae), Labcorp); PubMed 26505888 (cited by Labcorp Genetics (formerly Invitae), Labcorp).

NM_001077350.3(NPRL3):c.119-1G>C

Genes: HBA-LCR (alpha-globin locus control region; plus strand), NPRL3 (NPR3 like, GATOR1 complex subunit; minus strand). Cytogenetic location: 16p13.3.
Variant type: single nucleotide variant.
Coding change: c.119-1G>C on transcript NM_001077350.3 (MANE Select); the canonical splice acceptor site of the intron before coding-DNA position 119, G replaced by C.
Molecular consequence: splice acceptor variant.
Genome position (GRCh38, 1-based): chr16:130,592, C>G on the plus strand (G>C on the coding strand, the complement: NPRL3 is on the minus strand). VCF-style: chr16-130592-C-G. GRCh37 (hg19) VCF-style: chr16-180591-C-G.
Other names: c.-253-1G>C (NM_001243247.2); c.119-1G>C (NM_001243248.2, NM_001243249.2); c.-214-1G>C (NM_001039476.3).
Identifiers: ClinVar variation 1465304 (VCV001465304.11), dbSNP rs2141981312, ClinGen allele CA393997966.